The following is an entry in ClinVar:

NM_025099.6(CTC1):c.3152G>A (p.Arg1051Gln)

Gene: CTC1 (CST telomere replication complex component 1; minus strand). Cytogenetic location: 17p13.1.
Variant type: single nucleotide variant.
Coding change: c.3152G>A on transcript NM_025099.6 (MANE Select); coding-DNA position 3152, G replaced by A.
Protein change: p.Arg1051Gln; replaces arginine 1051 with glutamine.
Molecular consequence: missense variant. On other transcripts: non-coding transcript variant (1).
Genome position (GRCh38, 1-based): chr17:8,229,306, C>T on the plus strand (G>A on the coding strand, the complement: CTC1 is on the minus strand). VCF-style: chr17-8229306-C-T. GRCh37 (hg19) VCF-style: chr17-8132624-C-T.
Other names: c.3152G>A (NM_025099.5); c.3152G>A, p.Arg1051Gln (NM_001411067.1); short protein forms R1051Q.
Identifiers: ClinVar variation 1908791 (VCV001908791.7), dbSNP rs758206104, ClinGen allele CA8371875.

ClinVar aggregate classification (germline): Uncertain significance. Review status: criteria provided, multiple submitters, no conflicts (2 of 4 stars). 3 submissions from 3 submitters: Uncertain significance (3). Last evaluated 2025-10-29.

Conditions:
Inborn genetic diseases. Identifiers: MedGen C0950123, MeSH D030342.
Dyskeratosis congenita. Identifiers: Orphanet 1775, MedGen C0265965, MONDO:0015780.
Cerebroretinal microangiopathy with calcifications and cysts 1 (CRMCC1). Identifiers: Orphanet 313838, MedGen C4552029, MONDO:0024564, OMIM 612199.

Allele frequency attached by ClinVar (database versions not stated): gnomAD 0.00001; gnomAD exomes 0.00001; TOPMed 0.00003; ExAC 0.00005.
gnomAD v4.1: 16 of 1,614,056 alleles (0.00099%); highest among the groups gnomAD compares: Admixed American, 0.012%; no homozygotes.

Submissions (3):

Ambry Genetics
Classification: Uncertain significance for Inborn genetic diseases. Last evaluated: 2025-10-29. Review status: criteria provided, single submitter. Criteria: Ambry Variant Classification Scheme 2023. Collection method: clinical testing. Allele origin: germline.

Labcorp Genetics (formerly Invitae), Labcorp
Classification: Uncertain significance for Dyskeratosis congenita. Last evaluated: 2024-01-22. Review status: criteria provided, single submitter. Criteria: Invitae Variant Classification Sherloc (09022015). Collection method: clinical testing. Allele origin: germline.
Comment: This sequence change replaces arginine, which is basic and polar, with glutamine, which is neutral and polar, at codon 1051 of the CTC1 protein (p.Arg1051Gln). This variant is present in population databases (rs758206104, gnomAD 0.02%). This variant has not been reported in the literature in individuals affected with CTC1-related conditions. ClinVar contains an entry for this variant (Variation ID: 1908791). Advanced modeling of protein sequence and biophysical properties (such as structural, functional, and spatial information, amino acid conservation, physicochemical variation, residue mobility, and thermodynamic stability) performed at Invitae indicates that this missense variant is not expected to disrupt CTC1 protein function with a negative predictive value of 80%. In summary, the available evidence is currently insufficient to determine the role of this variant in disease. Therefore, it has been classified as a Variant of Uncertain Significance.

Revvity Omics, Revvity
Classification: Uncertain significance for Cerebroretinal microangiopathy with calcifications and cysts 1. Last evaluated: 2020-03-31. Review status: criteria provided, single submitter. Criteria: ACMG Guidelines, 2015. Collection method: clinical testing. Allele origin: germline.